The following is an entry in ClinVar:

NM_000059.4(BRCA2):c.3111A>G (p.Gln1037=)

Gene: BRCA2 (BRCA2 DNA repair associated; plus strand). Cytogenetic location: 13q13.1.
Variant type: single nucleotide variant.
Coding change: c.3111A>G on transcript NM_000059.4 (MANE Select); coding-DNA position 3111, A replaced by G.
Protein change: p.Gln1037=; no amino-acid change (glutamine 1037 retained).
Molecular consequence: synonymous variant.
Genome position (GRCh38, 1-based): chr13:32,337,466, A>G. VCF-style: chr13-32337466-A-G. GRCh37 (hg19) VCF-style: chr13-32911603-A-G.
Identifiers: ClinVar variation 186456 (VCV000186456.46), dbSNP rs786202967, ClinGen allele CA017259.

ClinVar aggregate classification (germline): Likely benign. Review status: reviewed by expert panel (3 of 4 stars). 8 submissions from 8 submitters: Likely benign (1). 7 of the submissions do not count toward it. Last evaluated 2017-06-29.

Conditions:
Hereditary cancer-predisposing syndrome. Also called: Tumor predisposition; Neoplastic Syndromes, Hereditary; Hereditary Cancer Syndrome; Hereditary neoplastic syndrome. Identifiers: Orphanet 140162, MedGen C0027672, MeSH D009386, MONDO:0015356.
Hereditary breast ovarian cancer syndrome. Also called: Hereditary breast and ovarian cancer; Hereditary breast and ovarian cancer syndrome (HBOC); Breast and ovarian cancer; Hereditary breast and/or ovarian cancer syndrome; BRCA1- and BRCA2-Associated Hereditary Breast and Ovarian Cancer; Hereditary breast and ovarian cancer syndrome. Identifiers: Orphanet 145, MedGen C0677776, MeSH D061325, MONDO:0003582. Disease mechanism: loss of function.
Breast-ovarian cancer, familial, susceptibility to, 2 (BROVCA2). Also called: BRCA2 Hereditary Breast and Ovarian Cancer. Identifiers: Orphanet 145, MedGen C2675520, MONDO:0012933, OMIM 612555. Disease mechanism: loss of function.
Familial cancer of breast. Also called: hereditary breast carcinoma; BREAST CANCER, FAMILIAL; Hereditary breast cancer. Identifiers: Orphanet 227535, MedGen C0346153, MONDO:0016419, OMIM 114480. Disease mechanism: loss of function.

Allele frequency attached by ClinVar (database versions not stated): gnomAD exomes below 0.00001 and 0.00001; gnomAD 0.00001; TOPMed 0.00002.
gnomAD v4.1: 8 of 1,612,374 alleles (0.0005%); highest among the groups gnomAD compares: Middle Eastern, 0.016%; no homozygotes.

Submissions (8):

Evidence-based Network for the Interpretation of Germline Mutant Alleles (ENIGMA)
Classification: Likely benign for Breast-ovarian cancer, familial, susceptibility to, 2. Last evaluated: 2017-06-29. Review status: reviewed by expert panel. Criteria: ENIGMA BRCA1/2 Classification Criteria (2017-06-29). Collection method: curation. Allele origin: germline.
Comment: Synonymous substitution variant, with low bioinformatic likelihood to result in a splicing aberration (Splicing prior probability 0.02).

Labcorp Genetics (formerly Invitae), Labcorp
Classification: Likely benign for Hereditary breast ovarian cancer syndrome. Last evaluated: 2025-12-15. Review status: criteria provided, single submitter. Criteria: Invitae Variant Classification Sherloc (09022015). Collection method: clinical testing. Allele origin: germline. Not counted in ClinVar's aggregate classification.

KCCC/NGS Laboratory, Kuwait Cancer Control Center
Classification: Benign for Familial cancer of breast. Last evaluated: 2025-02-01. Review status: criteria provided, single submitter. Criteria: ACMG Guidelines, 2015. Collection method: clinical testing. Allele origin: germline. Affected: no. Not counted in ClinVar's aggregate classification.

CeGaT Center for Human Genetics Tuebingen
Classification: Likely benign. Last evaluated: 2022-12-01. Review status: criteria provided, single submitter. Criteria: CeGaT Center For Human Genetics Tuebingen Variant Classification Criteria Version 2. Collection method: clinical testing. Allele origin: germline. Affected: yes. Observed: 1 variant allele. Not counted in ClinVar's aggregate classification.
Comment: BRCA2: BP4, BP7

Women's Health and Genetics/Laboratory Corporation of America, LabCorp
Classification: Likely benign. Last evaluated: 2019-08-21. Review status: criteria provided, single submitter. Criteria: LabCorp Variant Classification Summary - May 2015. Collection method: clinical testing. Allele origin: germline. Not counted in ClinVar's aggregate classification.

GeneDx
Classification: Likely benign. Last evaluated: 2017-04-07. Review status: criteria provided, single submitter. Criteria: GeneDx Variant Classification (06012015). Collection method: clinical testing. Allele origin: germline. Affected: yes. Not counted in ClinVar's aggregate classification.
Comment: This variant is considered likely benign or benign based on one or more of the following criteria: it is a conservative change, it occurs at a poorly conserved position in the protein, it is predicted to be benign by multiple in silico algorithms, and/or has population frequency not consistent with disease.

Color Diagnostics, LLC DBA Color Health
Classification: Likely benign for Hereditary cancer-predisposing syndrome. Last evaluated: 2016-08-01. Review status: criteria provided, single submitter. Criteria: ACMG Guidelines, 2015. Collection method: clinical testing. Allele origin: germline. Not counted in ClinVar's aggregate classification.

Ambry Genetics
Classification: Likely benign for Hereditary cancer-predisposing syndrome. Last evaluated: 2014-09-22. Review status: criteria provided, single submitter. Criteria: Ambry Variant Classification Scheme 2023. Collection method: clinical testing. Allele origin: germline. Not counted in ClinVar's aggregate classification.